The following is an entry in ClinVar:

NM_000168.6(GLI3):c.4322_4326del (p.Gly1441fs)

Gene: GLI3 (GLI family zinc finger 3; minus strand). Cytogenetic location: 7p14.1.
Variant type: Deletion.
Coding change: c.4322_4326del on transcript NM_000168.6 (MANE Select); coding-DNA positions 4322 to 4326, 5 bases deleted (GTCAG; older notation c.4322_4326delGTCAG).
Protein change: p.Gly1441fs; shifts the reading frame from glycine 1441.
Molecular consequence: frameshift variant.
Genome position (GRCh38, 1-based): chr7:41,964,747-41,964,751, CTGAC deleted on the plus strand (GTCAG on the coding strand, the reverse complement: GLI3 is on the minus strand); deleting any 5 consecutive bases within chr7:41,964,747-41,964,752 gives the same sequence; the c. name uses the placement nearest the transcript's 3' end. VCF-style (leftmost placement, unchanged base first): chr7-41964746-ACTGAC-A. GRCh37 (hg19) VCF-style: chr7-42004344-ACTGAC-A.
Other names: short protein forms G1441fs.
Identifiers: ClinVar variation 2948018 (VCV002948018.3), dbSNP rs2484364434, ClinGen allele CA2740097343.

ClinVar aggregate classification (germline): Pathogenic (1 of 4 stars; one submission).

Conditions:
Pallister-Hall syndrome (PHS). Also called: HYPOTHALAMIC HAMARTOBLASTOMA, HYPOPITUITARISM, IMPERFORATE ANUS, AND POSTAXIAL POLYDACTYLY; GLI3-Related Pallister-Hall Syndrome. Identifiers: Orphanet 672, MedGen C0265220, MONDO:0007804, OMIM 146510.
Greig cephalopolysyndactyly syndrome (GCPS). Also called: POLYSYNDACTYLY WITH PECULIAR SKULL SHAPE; Greig syndrome; GLI3-Related Greig Cephalopolysyndactyly Syndrome. Identifiers: Orphanet 380, MedGen C0265306, MONDO:0008287, OMIM 175700.

Submission:

Labcorp Genetics (formerly Invitae), Labcorp
Classification: Pathogenic for Pallister-Hall syndrome; Greig cephalopolysyndactyly syndrome. Last evaluated: 2025-08-20. Review status: criteria provided, single submitter. Criteria: Invitae Variant Classification Sherloc (09022015). Collection method: clinical testing. Allele origin: germline.
Comment: This sequence change creates a premature translational stop signal (p.Gly1441Valfs*3) in the GLI3 gene. While this is not anticipated to result in nonsense mediated decay, it is expected to disrupt the last 140 amino acid(s) of the GLI3 protein. This variant is not present in population databases (gnomAD no frequency). This variant has not been reported in the literature in individuals affected with GLI3-related conditions. ClinVar contains an entry for this variant (Variation ID: 2948018). This variant disrupts a region of the GLI3 protein in which other variant(s) (p.Gln1503*) have been determined to be pathogenic (PMID: 30235038; internal data). This suggests that this is a clinically significant region of the protein, and that variants that disrupt it are likely to be disease-causing. For these reasons, this variant has been classified as Pathogenic.

Literature cited by the submitters: PubMed 30235038.